The following is an entry in ClinVar:

NM_001166387.4(MAGEA12):c.249C>T (p.Ser83=)

Gene: MAGEA12 (MAGE family member A12). Cytogenetic location: Xq28.
Variant type: single nucleotide variant.
Coding change: c.249C>T on transcript NM_001166387.4 (MANE Select); coding-DNA position 249, C replaced by T.
Protein change: p.Ser83=; no amino-acid change (serine 83 retained).
Molecular consequence: synonymous variant.
Genome position (GRCh38, 1-based): chrX:152,736,410, C>T. VCF-style: chrX-152736410-C-T. GRCh37 (hg19) VCF-style: chrX-151900552-G-A.
Other names: c.249C>T, p.Ser83= (NM_001166386.3, NM_005367.7).
Identifiers: ClinVar variation 2661672 (VCV002661672.24), dbSNP rs782227384, ClinGen allele CA10544136.

ClinVar aggregate classification (germline): Likely benign (1 of 4 stars; one submission).

Allele frequency attached by ClinVar (database versions not stated): gnomAD 0.00006; ExAC 0.00007; TOPMed 0.00012.

Submission:

CeGaT Center for Human Genetics Tuebingen
Classification: Likely benign. Last evaluated: 2023-02-01. Review status: criteria provided, single submitter. Criteria: CeGaT Center For Human Genetics Tuebingen Variant Classification Criteria Version 2. Collection method: clinical testing. Allele origin: germline. Affected: yes. Observed: 1 variant allele.
Comment: MAGEA12: BP4, BP7, BS2